The following is an entry in ClinVar:

ClinVar aggregate classification (germline): Likely benign. Review status: criteria provided, multiple submitters, no conflicts (2 of 4 stars). 3 submissions from 3 submitters: Likely benign (2). 1 of the submissions does not count toward it. Last evaluated 2026-01-21.

Conditions:
Joubert syndrome. Also called: Familial aplasia of the vermis; JOUBERT-BOLTSHAUSER SYNDROME. Identifiers: Orphanet 475, MedGen C5979921, MONDO:0018772.
Meckel-Gruber syndrome. Also called: DYSENCEPHALIA SPLANCHNOCYSTICA; GRUBER SYNDROME; Dysencephalia splachnocystica. Identifiers: Orphanet 564, MedGen C0265215, MONDO:0018921.
TMEM67-related disorder. Also called: TMEM67-related disorders; TMEM67-related condition. Identifiers: MedGen CN239423.

Allele frequency attached by ClinVar (database versions not stated): ExAC 0.00002; gnomAD 0.00003; TOPMed 0.00003; ESP Exome Variant Server 0.00023.
gnomAD v4.1: 88 of 1,560,184 alleles (0.0056%); highest among the groups gnomAD compares: Non-Finnish European, 0.0072%; no homozygotes.

Submissions (3):

Labcorp Genetics (formerly Invitae), Labcorp
Classification: Likely benign for Joubert syndrome; Meckel-Gruber syndrome. Last evaluated: 2026-01-21. Review status: criteria provided, single submitter. Criteria: Invitae Variant Classification Sherloc (09022015). Collection method: clinical testing. Allele origin: germline.

Blueprint Genetics
Classification: Likely benign. Last evaluated: 2024-04-04. Review status: criteria provided, single submitter. Criteria: ACMG Guidelines, 2015. Collection method: clinical testing. Allele origin: germline.

PreventionGenetics, part of Exact Sciences
Classification: Likely benign for TMEM67-related condition. Last evaluated: 2024-08-07. Review status: no assertion criteria provided. Collection method: clinical testing. Allele origin: germline. Not counted in ClinVar's aggregate classification.
Comment: This variant is classified as likely benign based on ACMG/AMP sequence variant interpretation guidelines (Richards et al. 2015 PMID: 25741868, with internal and published modifications).

NM_153704.6(TMEM67):c.2427T>G (p.Leu809=)

Gene: TMEM67 (transmembrane protein 67; plus strand). Cytogenetic location: 8q22.1.
Variant type: single nucleotide variant.
Coding change: c.2427T>G on transcript NM_153704.6 (MANE Select); coding-DNA position 2427, T replaced by G.
Protein change: p.Leu809=; no amino-acid change (leucine 809 retained).
Molecular consequence: synonymous variant. On other transcripts: non-coding transcript variant (1).
Genome position (GRCh38, 1-based): chr8:93,804,866, T>G. VCF-style: chr8-93804866-T-G. GRCh37 (hg19) VCF-style: chr8-94817094-T-G.
Other names: c.2184T>G, p.Leu728= (NM_001142301.1).
Identifiers: ClinVar variation 2037638 (VCV002037638.6), dbSNP rs150658618, ClinGen allele CA4808291.